The following is an entry in ClinVar:

NM_020184.4(CNNM4):c.2063G>C (p.Ser688Thr)

Gene: CNNM4 (cyclin and CBS domain divalent metal cation transport mediator 4; plus strand). Cytogenetic location: 2q11.2.
Variant type: single nucleotide variant.
Coding change: c.2063G>C on transcript NM_020184.4 (MANE Select); coding-DNA position 2063, G replaced by C.
Protein change: p.Ser688Thr; replaces serine 688 with threonine.
Molecular consequence: missense variant.
Genome position (GRCh38, 1-based): chr2:96,808,675, G>C. VCF-style: chr2-96808675-G-C. GRCh37 (hg19) VCF-style: chr2-97474412-G-C.
Other names: short protein forms S688T.
Identifiers: ClinVar variation 970705 (VCV000970705.9), dbSNP rs2079229855, ClinGen allele CA347708688.
Genomic context (GRCh38, chr2:96,808,675, plus strand): 5'-CAGACCGCACAGACGTCTCAACTGCAGCAACCTTGGCAGGCAGCAGCAACCAGTTTGGCA[G>C]CTCTGTCCTGGGCCAGTACATCTCTGACTTCAGCGTCCGGGCACTCGTGGACTTGCAGTA-3'
Protein context (NP_064569.3, residues 678-698): TLAGSSNQFG[Ser688Thr]SVLGQYISDF

ClinVar aggregate classification (germline): Uncertain significance (1 of 4 stars; one submission).

Submission:

Labcorp Genetics (formerly Invitae), Labcorp
Classification: Uncertain significance. Last evaluated: 2019-10-31. Review status: criteria provided, single submitter. Criteria: Invitae Variant Classification Sherloc (09022015). Collection method: clinical testing. Allele origin: germline.
Comment: This variant is not present in population databases (ExAC no frequency). In summary, the available evidence is currently insufficient to determine the role of this variant in disease. Therefore, it has been classified as a Variant of Uncertain Significance. Algorithms developed to predict the effect of missense changes on protein structure and function output the following: SIFT: "Tolerated"; PolyPhen-2: "Benign"; Align-GVGD: "Class C0". The threonine amino acid residue is found in multiple mammalian species, suggesting that this missense change does not adversely affect protein function. These predictions have not been confirmed by published functional studies and their clinical significance is uncertain. This variant has not been reported in the literature in individuals with CNNM4-related conditions. This sequence change replaces serine with threonine at codon 688 of the CNNM4 protein (p.Ser688Thr). The serine residue is moderately conserved and there is a small physicochemical difference between serine and threonine.